The following is an entry in ClinVar:

ClinVar aggregate classification (germline): Conflicting classifications of pathogenicity. Review status: criteria provided, conflicting classifications (1 of 4 stars). 3 submissions from 3 submitters: Uncertain significance (2); Likely benign (1). Last evaluated 2025-08-01.

Conditions:
Inborn genetic diseases. Identifiers: MedGen C0950123, MeSH D030342.

Allele frequency attached by ClinVar (database versions not stated): gnomAD exomes below 0.00001; ExAC 0.00001; gnomAD 0.00001; TOPMed 0.00001.
gnomAD v4.1: 5 of 1,209,371 alleles (0.00041%); highest among the groups gnomAD compares: East Asian, 0.015%; no homozygotes.

Submissions (3):

CeGaT Center for Human Genetics Tuebingen
Classification: Uncertain significance. Last evaluated: 2025-08-01. Review status: criteria provided, single submitter. Criteria: CeGaT Center For Human Genetics Tuebingen Variant Classification Criteria Version 2. Collection method: clinical testing. Allele origin: germline. Affected: yes. Observed: 1 variant allele.

Ambry Genetics
Classification: Likely benign for Inborn genetic diseases. Last evaluated: 2025-03-26. Review status: criteria provided, single submitter. Criteria: Ambry Variant Classification Scheme 2023. Collection method: clinical testing. Allele origin: germline.

Labcorp Genetics (formerly Invitae), Labcorp
Classification: Uncertain significance. Last evaluated: 2023-04-17. Review status: criteria provided, single submitter. Criteria: Invitae Variant Classification Sherloc (09022015). Collection method: clinical testing. Allele origin: germline.
Comment: This sequence change replaces glutamine, which is neutral and polar, with arginine, which is basic and polar, at codon 143 of the EBP protein (p.Gln143Arg). This variant is present in population databases (rs782257058, gnomAD 0.02%), including at least one homozygous and/or hemizygous individual. This variant has not been reported in the literature in individuals affected with EBP-related conditions. Algorithms developed to predict the effect of missense changes on protein structure and function output the following: SIFT: "Not Available"; PolyPhen-2: "Benign"; Align-GVGD: "Not Available". The arginine amino acid residue is found in multiple mammalian species, which suggests that this missense change does not adversely affect protein function. In summary, the available evidence is currently insufficient to determine the role of this variant in disease. Therefore, it has been classified as a Variant of Uncertain Significance.

NM_006579.3(EBP):c.428A>G (p.Gln143Arg)

Gene: EBP (EBP cholestenol delta-isomerase; plus strand). Cytogenetic location: Xp11.23.
Variant type: single nucleotide variant.
Coding change: c.428A>G on transcript NM_006579.3 (MANE Select); coding-DNA position 428, A replaced by G.
Protein change: p.Gln143Arg; replaces glutamine 143 with arginine.
Molecular consequence: missense variant.
Genome position (GRCh38, 1-based): chrX:48,527,244, A>G. VCF-style: chrX-48527244-A-G. GRCh37 (hg19) VCF-style: chrX-48385632-A-G.
Other names: c.428A>G (NM_006579.2); short protein forms Q143R.
Identifiers: ClinVar variation 2956126 (VCV002956126.12), dbSNP rs782257058, ClinGen allele CA10403031.